The following is an entry in ClinVar:

NM_000038.6(APC):c.1408+5G>A

Gene: APC (APC regulator of Wnt signaling pathway; plus strand). Cytogenetic location: 5q22.2.
Variant type: single nucleotide variant.
Coding change: c.1408+5G>A on transcript NM_000038.6 (MANE Select); 5 bases into the intron after coding-DNA position 1408, G replaced by A.
Molecular consequence: intron variant.
Genome position (GRCh38, 1-based): chr5:112,821,996, G>A. VCF-style: chr5-112821996-G-A. GRCh37 (hg19) VCF-style: chr5-112157693-G-A.
Other names: c.1408+5G>A (NM_001354895.2, NM_001127510.3, NM_001354896.2); c.1438+5G>A (NM_001354897.2); c.1135+5G>A (NM_001354902.2); c.1354+5G>A (NM_001127511.3); c.1333+5G>A (NM_001354898.2); c.1030+5G>A (NM_001354904.2); c.559+5G>A (NM_001354906.2); c.1105+5G>A (NM_001354903.2); and 3 more.
Identifiers: ClinVar variation 411411 (VCV000411411.20), dbSNP rs779919032, ClinGen allele CA027457.
Genomic context (GRCh38, chr5:112,821,996, plus strand): 5'-TGTTCTAATGAAACTTTCATTTGATGAAGAGCATAGACATGCAATGAATGAACTAGGTAA[G>A]ACAAAAATGTTTTTTAATGACATAGACAATTACTGGTGGATTTTTAAATCATGGTAGAAA-3'

ClinVar aggregate classification (germline): Conflicting classifications of pathogenicity. Review status: criteria provided, conflicting classifications (1 of 4 stars). 6 submissions from 6 submitters: Uncertain significance (1); Likely benign (5). Last evaluated 2025-11-18.

Conditions:
Classic or attenuated familial adenomatous polyposis. Identifiers: MedGen CN372698, MONDO:0021057.
Familial adenomatous polyposis 1 (FAP1). Also called: FAMILIAL ADENOMATOUS POLYPOSIS 1, ATTENUATED; POLYPOSIS, ADENOMATOUS INTESTINAL. Identifiers: MedGen C2713442, MONDO:0021056, OMIM 175100. Disease mechanism: loss of function.
Hereditary cancer-predisposing syndrome. Also called: Tumor predisposition; Hereditary Cancer Syndrome; Hereditary neoplastic syndrome; Neoplastic Syndromes, Hereditary. Identifiers: Orphanet 140162, MedGen C0027672, MeSH D009386, MONDO:0015356.

Allele frequency attached by ClinVar (database versions not stated): gnomAD exomes 0.00001 and 0.00003; ExAC 0.00003; TOPMed 0.00003.
gnomAD v4.1: 10 of 1,593,132 alleles (0.00063%); highest among the groups gnomAD compares: East Asian, 0.016%; no homozygotes.

Submissions (6):

Labcorp Genetics (formerly Invitae), Labcorp
Classification: Likely benign for Familial adenomatous polyposis 1. Last evaluated: 2025-11-18. Review status: criteria provided, single submitter. Criteria: Invitae Variant Classification Sherloc (09022015). Collection method: clinical testing. Allele origin: germline.

Myriad Genetics, Inc.
Classification: Likely benign for Familial adenomatous polyposis 1. Last evaluated: 2025-01-27. Review status: criteria provided, single submitter. Criteria: Myriad Autosomal Dominant, Autosomal Recessive and X-Linked Classification Criteria (2023). Collection method: clinical testing. Allele origin: unknown.
Comment: This variant is considered likely benign. This variant is intronic and is not expected to impact mRNA splicing. This variant has been observed at a population frequency that is significantly greater than expected given the associated disease prevalence and penetrance.

All of Us Research Program, National Institutes of Health
Classification: Likely benign for Classic or attenuated familial adenomatous polyposis. Last evaluated: 2024-07-29. Review status: criteria provided, single submitter. Criteria: ACMG Guidelines, 2015. Collection method: clinical testing. Allele origin: germline. Inheritance: Autosomal dominant inheritance. Observed: 1 variant allele, 1 heterozygote.
Comment: This study involves interpretation of variants in research participants for the purpose of population health screening. Participant phenotype was not available at the time of variant classification. Additional details can be found in publication PMID: 35346344, PMCID: PMC8962531

Quest Diagnostics Nichols Institute San Juan Capistrano
Classification: Uncertain significance. Last evaluated: 2023-10-10. Review status: criteria provided, single submitter. Criteria: Quest Diagnostics criteria. Collection method: clinical testing. Allele origin: unknown.

Ambry Genetics
Classification: Likely benign for Hereditary cancer-predisposing syndrome. Last evaluated: 2019-09-05. Review status: criteria provided, single submitter. Criteria: Ambry Variant Classification Scheme 2023. Collection method: clinical testing. Allele origin: germline.

Color Diagnostics, LLC DBA Color Health
Classification: Likely benign for Hereditary cancer-predisposing syndrome. Last evaluated: 2016-12-20. Review status: criteria provided, single submitter. Criteria: ACMG Guidelines, 2015. Collection method: clinical testing. Allele origin: germline.

Literature cited by the submitters: PubMed 32091409 (cited by Quest Diagnostics Nichols Institute San Juan Capistrano).